The following is an entry in ClinVar:

NM_033305.3(VPS13A):c.600del (p.Lys201fs)

Gene: VPS13A (vacuolar protein sorting 13 homolog A; plus strand). Cytogenetic location: 9q21.2.
Variant type: Deletion.
Coding change: c.600del on transcript NM_033305.3 (MANE Select); coding-DNA position 600, one base deleted (G; older notation c.600delG).
Protein change: p.Lys201fs; shifts the reading frame from lysine 201.
Molecular consequence: frameshift variant.
Genome position (GRCh38, 1-based): chr9:77,213,013, G deleted. VCF-style (leftmost placement, unchanged base first): chr9-77213012-AG-A. GRCh37 (hg19) VCF-style: chr9-79827928-AG-A.
Other names: c.600del, p.Lys201fs (NM_001018037.2, NM_001018038.3, NM_015186.4); short protein forms K201fs.
Identifiers: ClinVar variation 4063065 (VCV004063065.2).

ClinVar aggregate classification (germline): Likely pathogenic (1 of 4 stars; one submission).

Conditions:
VPS13A-related neurodegenerative disease. Also called: LEVINE-CRITCHLEY SYNDROME; Choreoacanthocytosis; Chorea-acanthocytosis; VPS13A Disease; Choreaacanthocytosis; ACANTHOCYTOSIS WITH NEUROLOGIC DISORDER. Identifiers: Orphanet 2388, MedGen C0393576, MONDO:0008695, OMIM 200150.

Submission:

Natera, Inc.
Classification: Likely pathogenic for Choreaacanthocytosis. Last evaluated: 2025-01-23. Review status: criteria provided, single submitter. Criteria: Natera Variant Classification Schema (03/2026). Collection method: clinical testing. Allele origin: germline.
Comment: The c.600del variant in VPS13A is a frameshift variant predicted to shift the reading frame beginning at codon 201 and leads to a stop codon 6 codons downstream. This variant is expected to result in nonsense mediated decay, truncation, or a dysfunctional protein product. This variant is rare in the general population with a frequency below the threshold expected for the associated phenotype(s). Given the available evidence, this variant is classified as Likely Pathogenic.